The following is an entry in ClinVar:

NM_018006.5(TRMU):c.-44G>A

Gene: TRMU (tRNA mitochondrial 2-thiouridylase; plus strand). Cytogenetic location: 22q13.31.
Variant type: single nucleotide variant.
Coding change: c.-44G>A on transcript NM_018006.5 (MANE Select); 44 bases upstream of the start codon, G replaced by A.
Molecular consequence: 5 prime UTR variant. On other transcripts: non-coding transcript variant (2).
Genome position (GRCh38, 1-based): chr22:46,335,721, G>A. VCF-style: chr22-46335721-G-A. GRCh37 (hg19) VCF-style: chr22-46731618-G-A.
Other names: c.-279G>A (NM_001282782.2); c.-298G>A (NM_001282783.2, NM_001282784.2); c.-44G>A (NM_001282785.2).
Identifiers: ClinVar variation 342002 (VCV000342002.5), dbSNP rs370964036, ClinGen allele CA10291888.

ClinVar aggregate classification (germline): Benign/Likely benign. Review status: criteria provided, multiple submitters, no conflicts (2 of 4 stars). 2 submissions from 2 submitters: Benign (1); Likely benign (1). Last evaluated 2018-02-19.

Conditions:
Acute infantile liver failure due to synthesis defect of mtDNA-encoded proteins. Also called: Liver failure acute infantile; TRMU Deficiency; LIVER FAILURE, INFANTILE, TRANSIENT. Identifiers: Orphanet 217371, MedGen C3278664, MONDO:0013111, OMIM 613070.

Allele frequency attached by ClinVar (database versions not stated): ExAC 0.00023; gnomAD exomes 0.00025 and 0.00071; 1000 Genomes Project 30x 0.00172; gnomAD 0.00028 and 0.00021; TOPMed 0.00029; 1000 Genomes Project 0.00120.
gnomAD v4.1: 380 of 1,537,758 alleles (0.025%); highest among the groups gnomAD compares: East Asian, 0.9%; 1 homozygote.

Submissions (2):

GeneDx
Classification: Likely benign. Last evaluated: 2018-02-19. Review status: criteria provided, single submitter. Criteria: GeneDx Variant Classification (06012015). Collection method: clinical testing. Allele origin: germline. Affected: yes.
Comment: This variant is considered likely benign or benign based on one or more of the following criteria: it is a conservative change, it occurs at a poorly conserved position in the protein, it is predicted to be benign by multiple in silico algorithms, and/or has population frequency not consistent with disease.

Illumina Laboratory Services, Illumina
Classification: Benign for Acute infantile liver failure due to synthesis defect of mtDNA-encoded proteins. Last evaluated: 2018-01-13. Review status: criteria provided, single submitter. Criteria: ICSL Variant Classification Criteria 13 December 2019. Collection method: clinical testing. Allele origin: germline.
Comment: This variant was observed in the ICSL laboratory as part of a predisposition screen in an ostensibly healthy population. It had not been previously curated by ICSL or reported in the Human Gene Mutation Database (HGMD: prior to June 1st, 2018), and was therefore a candidate for classification through an automated scoring system. Utilizing variant allele frequency, disease prevalence and penetrance estimates, and inheritance mode, an automated score was calculated to assess if this variant is too frequent to cause the disease. Based on the score and internal cut-off values, a variant classified as benign is not then subjected to further curation. The score for this variant resulted in a classification of benign for this disease.